The following is an entry in ClinVar:

NM_001082486.2(ACD):c.152del (p.Thr51fs)

Gene: ACD (ACD shelterin complex subunit and telomerase recruitment factor; minus strand). Cytogenetic location: 16q22.1.
Variant type: Deletion.
Coding change: c.152del on transcript NM_001082486.2 (MANE Select); coding-DNA position 152, one base deleted (C; older notation c.152delC).
Protein change: p.Thr51fs; shifts the reading frame from threonine 51.
Molecular consequence: frameshift variant.
Genome position (GRCh38, 1-based): chr16:67,659,993, G deleted on the plus strand (C on the coding strand, the reverse complement: ACD is on the minus strand). VCF-style (leftmost placement, unchanged base first): chr16-67659992-CG-C. GRCh37 (hg19) VCF-style: chr16-67693895-CG-C.
Other names: c.152del, p.Thr51fs (NM_001410884.1); c.143del, p.Thr48fs (NM_022914.3); short protein forms T48fs, T51fs.
Identifiers: ClinVar variation 3250428 (VCV003250428.1), dbSNP rs759257949.
Genomic context (GRCh38, chr16:67,659,992, plus strand): 5'-CACCAGGCATCGGACACTGTGGGTCCCGTCAGACACAAGCAGCGTGGCCCCGACGTCGGA[CG>C]TATCAGGGGCGTGGGATGGGCCCGCGACCGCGGCCTCGGCGTCCTGTAGTACCTGACGGC-3'

ClinVar aggregate classification (germline): Likely pathogenic (1 of 4 stars; one submission).

Conditions:
Dyskeratosis congenita, autosomal dominant 6 (DKCA6). Identifiers: Orphanet 3322, MedGen C4225284, MONDO:0014690, OMIM 616553.

Allele frequency attached by ClinVar (database versions not stated): gnomAD exomes below 0.00001; ExAC 0.00001; gnomAD 0.00001.

Submission:

Neuberg Centre For Genomic Medicine, NCGM
Classification: Likely pathogenic for Dyskeratosis congenita, autosomal dominant 6. Review status: criteria provided, single submitter. Criteria: ACMG Guidelines, 2015. Collection method: clinical testing. Allele origin: germline. Inheritance: Autosomal recessive inheritance. Affected: yes.
Comment: The observed frameshift variant c.152del (p.Thr51SerfsTer21) in the ACD gene has not been reported previously as a pathogenic variant nor as a benign variant, to our knowledge. This variant is reported with the allele frequency 0.0004% in the gnomAD Exomes. This variant causes a frameshift starting with codon Threonine 51, changes this amino acid to Serine residue, and creates a premature Stop codon at position 21 of the new reading frame, denoted p.Thr51SerfsTer21. This variant is predicted to cause loss of normal protein function through protein truncation. Loss of function variants have been previously reported to be disease causing (Kocak H, et al., 2014). For these reasons, this variant has been classified as Likely Pathogenic.